The following is an entry in ClinVar:

NM_025099.6(CTC1):c.3396C>G (p.Ala1132=)

Gene: CTC1 (CST telomere replication complex component 1; minus strand). Cytogenetic location: 17p13.1.
Variant type: single nucleotide variant.
Coding change: c.3396C>G on transcript NM_025099.6 (MANE Select); coding-DNA position 3396, C replaced by G.
Protein change: p.Ala1132=; no amino-acid change (alanine 1132 retained).
Molecular consequence: synonymous variant. On other transcripts: non-coding transcript variant (1).
Genome position (GRCh38, 1-based): chr17:8,228,621, G>C on the plus strand (C>G on the coding strand, the complement: CTC1 is on the minus strand). VCF-style: chr17-8228621-G-C. GRCh37 (hg19) VCF-style: chr17-8131939-G-C.
Other names: c.3165C>G, p.Ala1055= (NM_001411067.1).
Identifiers: ClinVar variation 3054435 (VCV003054435.3), dbSNP rs1459582000, ClinGen allele CA497958330.

ClinVar aggregate classification (germline): Likely benign. Review status: criteria provided, single submitter (1 of 4 stars). 2 submissions from 2 submitters: Likely benign (1). 1 of the submissions does not count toward it. Last evaluated 2026-01-24.

Conditions:
CTC1-related disorder. Also called: CTC1-related condition.
Dyskeratosis congenita. Identifiers: Orphanet 1775, MedGen C0265965, MONDO:0015780.

Allele frequency attached by ClinVar (database versions not stated): gnomAD exomes below 0.00001; TOPMed below 0.00001; gnomAD 0.00001.

Submissions (2):

Labcorp Genetics (formerly Invitae), Labcorp
Classification: Likely benign for Dyskeratosis congenita. Last evaluated: 2026-01-24. Review status: criteria provided, single submitter. Criteria: Invitae Variant Classification Sherloc (09022015). Collection method: clinical testing. Allele origin: germline.

PreventionGenetics, part of Exact Sciences
Classification: Likely benign for CTC1-related condition. Last evaluated: 2023-10-25. Review status: no assertion criteria provided. Collection method: clinical testing. Allele origin: germline. Not counted in ClinVar's aggregate classification.
Comment: This variant is classified as likely benign based on ACMG/AMP sequence variant interpretation guidelines (Richards et al. 2015 PMID: 25741868, with internal and published modifications).